The following is an entry in ClinVar:

NM_198253.3(TERT):c.635T>C (p.Val212Ala)

Gene: TERT (telomerase reverse transcriptase; minus strand). Cytogenetic location: 5p15.33.
Variant type: single nucleotide variant.
Coding change: c.635T>C on transcript NM_198253.3 (MANE Select); coding-DNA position 635, T replaced by C.
Protein change: p.Val212Ala; replaces valine 212 with alanine.
Molecular consequence: missense variant. On other transcripts: non-coding transcript variant (2).
Genome position (GRCh38, 1-based): chr5:1,294,251, A>G on the plus strand (T>C on the coding strand, the complement: TERT is on the minus strand). VCF-style: chr5-1294251-A-G. GRCh37 (hg19) VCF-style: chr5-1294366-A-G.
Other names: c.635T>C, p.Val212Ala (NM_001193376.3); short protein forms V212A.
Identifiers: ClinVar variation 3750860 (VCV003750860.2).

ClinVar aggregate classification (germline): Uncertain significance (1 of 4 stars; one submission).

Conditions:
Dyskeratosis congenita, autosomal dominant 2. Identifiers: MedGen C3151443, MONDO:0013521, OMIM 613989.
Idiopathic Pulmonary Fibrosis. Also called: Idiopathic fibrosing alveolitis, chronic form; idiopathic fibrosing alveolitis. Identifiers: Orphanet 2032, MedGen C1800706, MeSH D054990, MONDO:0800504.

Submission:

Labcorp Genetics (formerly Invitae), Labcorp
Classification: Uncertain significance for Dyskeratosis congenita, autosomal dominant 2; Idiopathic Pulmonary Fibrosis. Last evaluated: 2024-06-10. Review status: criteria provided, single submitter. Criteria: Invitae Variant Classification Sherloc (09022015). Collection method: clinical testing. Allele origin: germline.
Comment: This sequence change replaces valine, which is neutral and non-polar, with alanine, which is neutral and non-polar, at codon 212 of the TERT protein (p.Val212Ala). This variant is not present in population databases (gnomAD no frequency). This variant has not been reported in the literature in individuals affected with TERT-related conditions. Advanced modeling of protein sequence and biophysical properties (such as structural, functional, and spatial information, amino acid conservation, physicochemical variation, residue mobility, and thermodynamic stability) performed at Invitae indicates that this missense variant is not expected to disrupt TERT protein function with a negative predictive value of 80%. In summary, the available evidence is currently insufficient to determine the role of this variant in disease. Therefore, it has been classified as a Variant of Uncertain Significance.